The following is an entry in ClinVar:

ClinVar aggregate classification (germline): Uncertain significance. Review status: criteria provided, multiple submitters, no conflicts (2 of 4 stars). 3 submissions from 3 submitters: Uncertain significance (3). Last evaluated 2025-06-08.

Conditions:
Tuberous sclerosis 2 (TSC2). Identifiers: Orphanet 805, MedGen C1860707, MONDO:0013199, OMIM 613254.
Hereditary cancer-predisposing syndrome. Also called: Neoplastic Syndromes, Hereditary; Hereditary neoplastic syndrome; Tumor predisposition; Hereditary Cancer Syndrome. Identifiers: Orphanet 140162, MedGen C0027672, MeSH D009386, MONDO:0015356.

Submissions (3):

Labcorp Genetics (formerly Invitae), Labcorp
Classification: Uncertain significance for Tuberous sclerosis 2. Last evaluated: 2025-06-08. Review status: criteria provided, single submitter. Criteria: Invitae Variant Classification Sherloc (09022015). Collection method: clinical testing. Allele origin: germline.
Comment: This sequence change replaces lysine, which is basic and polar, with glutamic acid, which is acidic and polar, at codon 1516 of the TSC2 protein (p.Lys1516Glu). This variant is not present in population databases (gnomAD no frequency). This variant has not been reported in the literature in individuals affected with TSC2-related conditions. ClinVar contains an entry for this variant (Variation ID: 660837). Invitae Evidence Modeling of protein sequence and biophysical properties (such as structural, functional, and spatial information, amino acid conservation, physicochemical variation, residue mobility, and thermodynamic stability) indicates that this missense variant is not expected to disrupt TSC2 protein function with a negative predictive value of 95%. In summary, the available evidence is currently insufficient to determine the role of this variant in disease. Therefore, it has been classified as a Variant of Uncertain Significance.

GeneDx
Classification: Uncertain significance. Last evaluated: 2023-01-12. Review status: criteria provided, single submitter. Criteria: GeneDx Variant Classification Process June 2021. Collection method: clinical testing. Allele origin: germline. Affected: yes.
Comment: Not observed at significant frequency in large population cohorts (gnomAD); In silico analysis supports that this missense variant does not alter protein structure/function; Has not been previously published as pathogenic or benign to our knowledge

Ambry Genetics
Classification: Uncertain significance for Hereditary cancer-predisposing syndrome. Last evaluated: 2022-08-30. Review status: criteria provided, single submitter. Criteria: Ambry Variant Classification Scheme 2023. Collection method: clinical testing. Allele origin: germline.
Comment: The p.K1516E variant (also known as c.4546A>G), located in coding exon 34 of the TSC2 gene, results from an A to G substitution at nucleotide position 4546. The lysine at codon 1516 is replaced by glutamic acid, an amino acid with similar properties. This amino acid position is conserved. In addition, this alteration is predicted to be deleterious by in silico analysis. Since supporting evidence is limited at this time, the clinical significance of this alteration remains unclear.

NM_000548.5(TSC2):c.4546A>G (p.Lys1516Glu)

Gene: TSC2 (TSC complex subunit 2; plus strand). Cytogenetic location: 16p13.3.
Variant type: single nucleotide variant.
Coding change: c.4546A>G on transcript NM_000548.5 (MANE Select); coding-DNA position 4546, A replaced by G.
Protein change: p.Lys1516Glu; replaces lysine 1516 with glutamic acid.
Molecular consequence: missense variant.
Genome position (GRCh38, 1-based): chr16:2,085,003, A>G. VCF-style: chr16-2085003-A-G. GRCh37 (hg19) VCF-style: chr16-2135004-A-G.
Other names: c.4345A>G, p.Lys1449Glu (NM_001077183.3); c.4477A>G, p.Lys1493Glu (NM_001114382.3); c.4237A>G, p.Lys1413Glu (NM_001318827.2); c.4201A>G, p.Lys1401Glu (NM_001318829.2); c.3814A>G, p.Lys1272Glu (NM_001318831.2); c.4378A>G, p.Lys1460Glu (NM_001318832.2); c.4348A>G, p.Lys1450Glu (NM_001363528.2); c.4414A>G, p.Lys1472Glu (NM_001370404.1); and 1 more; short protein forms K1413E, K1460E, K1472E, K1473E, K1493E, K1401E, K1450E, K1272E.
Identifiers: ClinVar variation 660837 (VCV000660837.13), dbSNP rs1596422969, ClinGen allele CA394302976.